The following is an entry in ClinVar:

NM_021930.6(RINT1):c.617G>A (p.Cys206Tyr)

Gene: RINT1 (RAD50 interactor 1; plus strand). Cytogenetic location: 7q22.3.
Variant type: single nucleotide variant.
Coding change: c.617G>A on transcript NM_021930.6 (MANE Select); coding-DNA position 617, G replaced by A.
Protein change: p.Cys206Tyr; replaces cysteine 206 with tyrosine.
Molecular consequence: missense variant. On other transcripts: 5 prime UTR variant (2), non-coding transcript variant (1), intron variant (1).
Genome position (GRCh38, 1-based): chr7:105,547,011, G>A. VCF-style: chr7-105547011-G-A. GRCh37 (hg19) VCF-style: chr7-105187458-G-A.
Other names: c.383G>A, p.Cys128Tyr (NM_001346599.2); c.-403G>A (NM_001346600.2); c.-306G>A (NM_001346601.2); c.-27-3044G>A (NM_001346603.2); short protein forms C128Y, C206Y.
Identifiers: ClinVar variation 3433654 (VCV003433654.1).

ClinVar aggregate classification (germline): Uncertain significance (1 of 4 stars; one submission).

Submission:

Ambry Genetics
Classification: Uncertain significance. Last evaluated: 2024-11-17. Review status: criteria provided, single submitter. Criteria: Ambry Variant Classification Scheme 2023. Collection method: clinical testing. Allele origin: germline.
Comment: The p.C206Y variant (also known as c.617G>A), located in coding exon 5 of the RINT1 gene, results from a G to A substitution at nucleotide position 617. The cysteine at codon 206 is replaced by tyrosine, an amino acid with highly dissimilar properties. This amino acid position is conserved. In addition, this alteration is predicted to be deleterious by in silico analysis. Based on the available evidence, the clinical significance of this variant remains unclear.